The following is an entry in ClinVar:

NM_024529.5(CDC73):c.1022C>G (p.Pro341Arg)

Gene: CDC73 (cell division cycle 73; plus strand). Cytogenetic location: 1q31.2.
Variant type: single nucleotide variant.
Coding change: c.1022C>G on transcript NM_024529.5 (MANE Select); coding-DNA position 1022, C replaced by G.
Protein change: p.Pro341Arg; replaces proline 341 with arginine.
Molecular consequence: missense variant.
Genome position (GRCh38, 1-based): chr1:193,203,844, C>G. VCF-style: chr1-193203844-C-G. GRCh37 (hg19) VCF-style: chr1-193172974-C-G.
Other names: short protein forms P341R.
Identifiers: ClinVar variation 3829892 (VCV003829892.1).

ClinVar aggregate classification (germline): Uncertain significance (1 of 4 stars; one submission).

Conditions:
Hereditary cancer-predisposing syndrome. Also called: Hereditary neoplastic syndrome; Neoplastic Syndromes, Hereditary; Tumor predisposition; Hereditary Cancer Syndrome. Identifiers: Orphanet 140162, MedGen C0027672, MeSH D009386, MONDO:0015356.

gnomAD v4.1: 1 of 1,613,504 alleles (0.000062%); highest among the groups gnomAD compares: Non-Finnish European, 0.000085%; no homozygotes.

Submission:

Ambry Genetics
Classification: Uncertain significance for Hereditary cancer-predisposing syndrome. Last evaluated: 2025-01-18. Review status: criteria provided, single submitter. Criteria: Ambry Variant Classification Scheme 2023. Collection method: clinical testing. Allele origin: germline.
Comment: The p.P341R variant (also known as c.1022C>G), located in coding exon 11 of the CDC73 gene, results from a C to G substitution at nucleotide position 1022. The proline at codon 341 is replaced by arginine, an amino acid with dissimilar properties. This amino acid position is conserved. In addition, the in silico prediction for this alteration is inconclusive. Based on the available evidence, the clinical significance of this variant remains unclear.